The following is an entry in ClinVar:

NM_002900.3(RBP3):c.631T>G (p.Trp211Gly)

Gene: RBP3 (retinol binding protein 3; plus strand). Cytogenetic location: 10q11.22.
Variant type: single nucleotide variant.
Coding change: c.631T>G on transcript NM_002900.3 (MANE Select); coding-DNA position 631, T replaced by G.
Protein change: p.Trp211Gly; replaces tryptophan 211 with glycine.
Molecular consequence: missense variant.
Genome position (GRCh38, 1-based): chr10:47,349,115, T>G. VCF-style: chr10-47349115-T-G. GRCh37 (hg19) VCF-style: chr10-48390247-A-C.
Other names: short protein forms W211G.
Identifiers: ClinVar variation 1502514 (VCV001502514.5), dbSNP rs1158704693, ClinGen allele CA376665764.

ClinVar aggregate classification (germline): Uncertain significance (1 of 4 stars; one submission).

Allele frequency attached by ClinVar (database versions not stated): TOPMed below 0.00001.

Submission:

Labcorp Genetics (formerly Invitae), Labcorp
Classification: Uncertain significance. Last evaluated: 2021-09-24. Review status: criteria provided, single submitter. Criteria: Invitae Variant Classification Sherloc (09022015). Collection method: clinical testing. Allele origin: germline.
Comment: This sequence change replaces tryptophan with glycine at codon 211 of the RBP3 protein (p.Trp211Gly). The tryptophan residue is highly conserved and there is a large physicochemical difference between tryptophan and glycine. This variant is not present in population databases (ExAC no frequency). This variant has not been reported in the literature in individuals with RBP3-related conditions. Algorithms developed to predict the effect of missense changes on protein structure and function output the following: SIFT: "Deleterious"; PolyPhen-2: "Probably Damaging"; Align-GVGD: "Class C25". The glycine amino acid residue is found in multiple mammalian species, suggesting that this missense change does not adversely affect protein function. These predictions have not been confirmed by published functional studies and their clinical significance is uncertain. In summary, the available evidence is currently insufficient to determine the role of this variant in disease. Therefore, it has been classified as a Variant of Uncertain Significance.